The following is an entry in ClinVar:

ClinVar aggregate classification (germline): Likely pathogenic (1 of 4 stars; one submission).

Conditions:
Dilated cardiomyopathy 1G (CMD1G). Identifiers: Orphanet 154, MedGen C1858763, MONDO:0011400, OMIM 604145.
Autosomal recessive limb-girdle muscular dystrophy type 2J (LGMDR10). Also called: Limb-girdle muscular dystrophy, type 2J; MUSCULAR DYSTROPHY, LIMB-GIRDLE, AUTOSOMAL RECESSIVE 10. Identifiers: Orphanet 140922, MedGen C1837342, MONDO:0012127, OMIM 608807.

Submission:

Labcorp Genetics (formerly Invitae), Labcorp
Classification: Likely pathogenic for Dilated cardiomyopathy 1G; Autosomal recessive limb-girdle muscular dystrophy type 2J. Last evaluated: 2024-11-04. Review status: criteria provided, single submitter. Criteria: Invitae Variant Classification Sherloc (09022015). Collection method: clinical testing. Allele origin: germline.
Comment: This sequence change creates a premature translational stop signal (p.Val3375Cysfs*18) in the TTN gene. While this is not anticipated to result in nonsense mediated decay, it is expected to create a truncated TTN protein. This variant is not present in population databases (gnomAD no frequency). This variant has not been observed in the literature in individuals with autosomal recessive TTN-related conditions. This variant has been reported in individual(s) with autosomal dominant dilated cardiomyopathy (internal data); however, the role of the variant in this condition is currently unclear. ClinVar contains an entry for this variant (Variation ID: 2124552). This variant is located in the I band of TTN (PMID: 25589632). Truncating variants in this region have been reported in individuals affected with autosomal recessive centronuclear myopathy (PMID: 23975875, internal data). Truncating variants in this region have also been identified in individuals affected with autosomal dominant dilated cardiomyopathy and/or cardio-related conditions (PMID: 27869827, 32964742, internal data). In summary, the currently available evidence indicates that the variant is pathogenic, but additional data are needed to prove that conclusively. Therefore, this variant has been classified as Likely Pathogenic.

Literature cited by the submitters: PubMed 25589632; PubMed 23975875; PubMed 27869827; PubMed 32964742.

NM_001267550.2(TTN):c.10122del (p.Val3375fs)

Gene: TTN (titin; minus strand). Cytogenetic location: 2q31.2.
Variant type: Deletion.
Coding change: c.10122del on transcript NM_001267550.2 (MANE Select); coding-DNA position 10122, one base deleted (A; older notation c.10122delA).
Protein change: p.Val3375fs; shifts the reading frame from valine 3375.
Molecular consequence: frameshift variant.
Genome position (GRCh38, 1-based): chr2:178,759,165, T deleted on the plus strand (A on the coding strand, the reverse complement: TTN is on the minus strand); the first of 4 consecutive T bases (chr2:178,759,165-178,759,168); deleting any one gives the same sequence. VCF-style (leftmost placement, unchanged base first): chr2-178759164-CT-C. GRCh37 (hg19) VCF-style: chr2-179623891-CT-C.
Other names: c.10122del, p.Val3375fs (NM_001256850.1, NM_133378.4, NM_133379.5); c.9984del, p.Val3329fs (NM_003319.4, NM_133432.3, NM_133437.4); short protein forms V3329fs, V3375fs.
Identifiers: ClinVar variation 2124552 (VCV002124552.4), dbSNP rs2531940231, ClinGen allele CA2580065186.